The following is an entry in ClinVar:

NM_005529.7(HSPG2):c.6629C>T (p.Pro2210Leu)

Genes: HSPG2 (heparan sulfate proteoglycan 2; minus strand), LOC126805655 (CDK7 strongly-dependent group 2 enhancer GRCh37_chr1:22178409-22179608; plus strand). Cytogenetic location: 1p36.12.
Variant type: single nucleotide variant.
Coding change: c.6629C>T on transcript NM_005529.7 (MANE Select); coding-DNA position 6629, C replaced by T.
Protein change: p.Pro2210Leu; replaces proline 2210 with leucine.
Molecular consequence: missense variant.
Genome position (GRCh38, 1-based): chr1:21,852,795, G>A on the plus strand (C>T on the coding strand, the complement: HSPG2 is on the minus strand). VCF-style: chr1-21852795-G-A. GRCh37 (hg19) VCF-style: chr1-22179288-G-A.
Other names: c.6632C>T, p.Pro2211Leu (NM_001291860.2); short protein forms P2211L, P2210L.
Identifiers: ClinVar variation 876346 (VCV000876346.8), dbSNP rs946013860, ClinGen allele CA19120820.

ClinVar aggregate classification (germline): Uncertain significance. Review status: criteria provided, multiple submitters, no conflicts (2 of 4 stars). 4 submissions from 3 submitters: Uncertain significance (4). Last evaluated 2024-03-28.

Conditions:
Lethal Kniest-like syndrome (DDSH). Also called: Dyssegmental Dysplasia. Identifiers: Orphanet 1865, MedGen C1857100, MONDO:0009140, OMIM 224410.
Schwartz-Jampel syndrome. Also called: Myotonic myopathy dwarfism chondrodystrophy and ocular and facial abnormalities. Identifiers: Orphanet 800, MedGen C0036391, MONDO:0009717.

Allele frequency attached by ClinVar (database versions not stated): gnomAD 0.00001; gnomAD exomes 0.00001; TOPMed 0.00002.
gnomAD v4.1: 23 of 1,612,784 alleles (0.0014%); highest among the groups gnomAD compares: East Asian, 0.0022%; no homozygotes.

Submissions (4):

Labcorp Genetics (formerly Invitae), Labcorp
Classification: Uncertain significance. Last evaluated: 2024-03-28. Review status: criteria provided, single submitter. Criteria: Invitae Variant Classification Sherloc (09022015). Collection method: clinical testing. Allele origin: germline.
Comment: This sequence change replaces proline, which is neutral and non-polar, with leucine, which is neutral and non-polar, at codon 2210 of the HSPG2 protein (p.Pro2210Leu). This variant is present in population databases (no rsID available, gnomAD 0.003%). This variant has not been reported in the literature in individuals affected with HSPG2-related conditions. ClinVar contains an entry for this variant (Variation ID: 876346). An algorithm developed to predict the effect of missense changes on protein structure and function (PolyPhen-2) suggests that this variant is likely to be disruptive. In summary, the available evidence is currently insufficient to determine the role of this variant in disease. Therefore, it has been classified as a Variant of Uncertain Significance.

GeneDx
Classification: Uncertain significance. Last evaluated: 2020-05-27. Review status: criteria provided, single submitter. Criteria: GeneDx Variant Classification Process June 2021. Collection method: clinical testing. Allele origin: germline. Affected: yes.
Comment: Has not been previously published as pathogenic or benign to our knowledge; Not observed at a significant frequency in large population cohorts (Lek et al., 2016); In silico analysis, which includes protein predictors and evolutionary conservation, supports a deleterious effect

Illumina Laboratory Services, Illumina
Classification: Uncertain significance for Lethal Kniest-like syndrome. Last evaluated: 2018-01-13. Review status: criteria provided, single submitter. Criteria: ICSL Variant Classification Criteria 13 December 2019. Collection method: clinical testing. Allele origin: germline.

Illumina Laboratory Services, Illumina
Classification: Uncertain significance for Schwartz-Jampel syndrome type 1. Last evaluated: 2018-01-13. Review status: criteria provided, single submitter. Criteria: ICSL Variant Classification Criteria 13 December 2019. Collection method: clinical testing. Allele origin: germline.